The following is an entry in ClinVar:

NM_001080394.4(SPIDR):c.326C>T (p.Ser109Leu)

Gene: SPIDR (scaffold protein involved in DNA repair; plus strand). Cytogenetic location: 8q11.21.
Variant type: single nucleotide variant.
Coding change: c.326C>T on transcript NM_001080394.4 (MANE Select); coding-DNA position 326, C replaced by T.
Protein change: p.Ser109Leu; replaces serine 109 with leucine.
Molecular consequence: missense variant. On other transcripts: 5 prime UTR variant (17), non-coding transcript variant (5).
Genome position (GRCh38, 1-based): chr8:47,291,102, C>T. VCF-style: chr8-47291102-C-T. GRCh37 (hg19) VCF-style: chr8-48203691-C-T.
Other names: c.116C>T, p.Ser39Leu (NM_001282916.1, NM_001352935.1, NM_001352936.1 and 1 more transcripts); c.146C>T, p.Ser49Leu (NM_001282919.1, NM_001352933.1, NM_001352937.1); c.326C>T, p.Ser109Leu (NM_001352931.1, NM_001352932.1, NM_001352934.1 and 3 more transcripts); c.-3C>T (NM_001352938.1, NM_001352939.1, NM_001352940.1 and 2 more transcripts); c.-332C>T (NM_001352942.1); c.-174C>T (NM_001352946.1, NM_001352947.1, NM_001352948.1 and 1 more transcripts); c.-376C>T (NM_001352949.1); c.-193C>T (NM_001352952.1, NM_001352956.1); and 2 more; short protein forms S109L, S39L, S49L.
Identifiers: ClinVar variation 5038852 (VCV005038852.1).

ClinVar aggregate classification (germline): Likely benign (1 of 4 stars; one submission).

gnomAD v4.1: 593 of 1,612,742 alleles (0.037%); highest among the groups gnomAD compares: Middle Eastern, 0.3%; 6 homozygotes.

Submission:

CeGaT Center for Human Genetics Tuebingen
Classification: Likely benign. Last evaluated: 2026-08-01. Review status: criteria provided, single submitter. Criteria: CeGaT Center For Human Genetics Tuebingen Variant Classification Criteria Version 2. Collection method: clinical testing. Allele origin: germline. Affected: yes. Observed: 1 variant allele.
Comment: SPIDR: BP4, BS2